The following is an entry in ClinVar:

NM_000138.5(FBN1):c.2294-6_2294-5del

Gene: FBN1 (fibrillin 1; minus strand). Cytogenetic location: 15q21.1.
Variant type: Deletion.
Coding change: c.2294-6_2294-5del on transcript NM_000138.5 (MANE Select); 6 bases into the intron before coding-DNA position 2294 through 5 bases into the intron before coding-DNA position 2294, 2 bases deleted (TT; older notation c.2294-6_2294-5delTT).
Molecular consequence: intron variant.
Genome position (GRCh38, 1-based): chr15:48,496,230-48,496,231, AA deleted on the plus strand (TT on the coding strand, the reverse complement: FBN1 is on the minus strand); deleting any 2 consecutive bases within chr15:48,496,230-48,496,232 gives the same sequence; the c. name uses the placement nearest the transcript's 3' end. VCF-style (leftmost placement, unchanged base first): chr15-48496229-CAA-C. GRCh37 (hg19) VCF-style: chr15-48788426-CAA-C.
Identifiers: ClinVar variation 1044793 (VCV001044793.8), dbSNP rs2043607725, ClinGen allele CA2175520572.

ClinVar aggregate classification (germline): Uncertain significance (1 of 4 stars; one submission).

Conditions:
Marfan syndrome (MFS). Also called: FBN1-Related Marfan Syndrome; MARFAN SYNDROME, TYPE I; Marfan syndrome type 1; Marfan's syndrome; Marfan syndrome, classic. Identifiers: Orphanet 284963, Orphanet 558, MedGen C0024796, MONDO:0007947, OMIM 154700.
Familial thoracic aortic aneurysm and aortic dissection (TAAD). Also called: Thoracic aortic aneurysms and dissections. Identifiers: Orphanet 91387, MedGen C4707243, MONDO:0019625.

Submission:

Labcorp Genetics (formerly Invitae), Labcorp
Classification: Uncertain significance for Marfan syndrome; Familial thoracic aortic aneurysm and aortic dissection. Last evaluated: 2020-08-04. Review status: criteria provided, single submitter. Criteria: Invitae Variant Classification Sherloc (09022015). Collection method: clinical testing. Allele origin: germline.
Comment: In summary, the available evidence is currently insufficient to determine the role of this variant in disease. Therefore, it has been classified as a Variant of Uncertain Significance. Algorithms developed to predict the effect of sequence changes on RNA splicing suggest that this variant is not likely to affect RNA splicing, but this prediction has not been confirmed by published transcriptional studies. This variant has not been reported in the literature in individuals with FBN1-related conditions. This variant is not present in population databases (ExAC no frequency). This sequence change falls in intron 19 of the FBN1 gene. It does not directly change the encoded amino acid sequence of the FBN1 protein.